The following is an entry in ClinVar:

NM_001376.5(DYNC1H1):c.12241G>C (p.Asp4081His)

Gene: DYNC1H1 (dynein cytoplasmic 1 heavy chain 1; plus strand). Cytogenetic location: 14q32.31.
Variant type: single nucleotide variant.
Coding change: c.12241G>C on transcript NM_001376.5 (MANE Select); coding-DNA position 12241, G replaced by C.
Protein change: p.Asp4081His; replaces aspartic acid 4081 with histidine.
Molecular consequence: missense variant.
Genome position (GRCh38, 1-based): chr14:102,042,254, G>C. VCF-style: chr14-102042254-G-C. GRCh37 (hg19) VCF-style: chr14-102508591-G-C.
Other names: short protein forms D4081H.
Identifiers: ClinVar variation 2720416 (VCV002720416.3), dbSNP rs2503858356, ClinGen allele CA391039099.

ClinVar aggregate classification (germline): Uncertain significance (1 of 4 stars; one submission).

Conditions:
Charcot-Marie-Tooth disease axonal type 2O. Also called: CHARCOT-MARIE-TOOTH NEUROPATHY, AXONAL, TYPE 2O; CHARCOT-MARIE-TOOTH DISEASE, AXONAL, AUTOSOMAL DOMINANT, TYPE 2O; Charcot-Marie-Tooth Neuropathy Type 2O; Charcot-Marie-Tooth disease, axonal, type 20. Identifiers: Orphanet 284232, MedGen C3280220, MONDO:0013644, OMIM 614228.

Submission:

Labcorp Genetics (formerly Invitae), Labcorp
Classification: Uncertain significance for Charcot-Marie-Tooth disease axonal type 2O. Last evaluated: 2025-08-20. Review status: criteria provided, single submitter. Criteria: Invitae Variant Classification Sherloc (09022015). Collection method: clinical testing. Allele origin: germline.
Comment: This sequence change replaces aspartic acid, which is acidic and polar, with histidine, which is basic and polar, at codon 4081 of the DYNC1H1 protein (p.Asp4081His). This variant is not present in population databases (gnomAD no frequency). This variant has not been reported in the literature in individuals affected with DYNC1H1-related conditions. ClinVar contains an entry for this variant (Variation ID: 2720416). Invitae Evidence Modeling of protein sequence and biophysical properties (such as structural, functional, and spatial information, amino acid conservation, physicochemical variation, residue mobility, and thermodynamic stability) indicates that this missense variant is not expected to disrupt DYNC1H1 protein function with a negative predictive value of 95%. In summary, the available evidence is currently insufficient to determine the role of this variant in disease. Therefore, it has been classified as a Variant of Uncertain Significance.